The following is an entry in ClinVar:

ClinVar aggregate classification (germline): Likely benign. Review status: criteria provided, multiple submitters, no conflicts (2 of 4 stars). 4 submissions from 4 submitters: Likely benign (4). Last evaluated 2026-04-12.

Conditions:
Retinitis pigmentosa 73 (RP73). Identifiers: OMIM 616544, Orphanet 791, MedGen C4225287, MONDO:0014687.
Mucopolysaccharidosis, MPS-III-C (MPS3C). Also called: MPS III C; Mucopolysaccharidosis type IIIC (Sanfilippo C); mucopolysaccharidosis type 3C; MPS IIIC (Sanfilippo Syndrome Type C); SANFILIPPO SYNDROME C; MUCOPOLYSACCHARIDOSIS, TYPE IIIC. Identifiers: Orphanet 581, Orphanet 79271, MedGen C0086649, MONDO:0009657, OMIM 252930.
HGSNAT-related disorder. Also called: HGSNAT-related condition.

Allele frequency attached by ClinVar (database versions not stated): gnomAD 0.00002 and 0.00003; TOPMed 0.00002; gnomAD exomes 0.00004; ExAC 0.00008; ESP Exome Variant Server 0.00008.
gnomAD v4.1: 30 of 1,610,200 alleles (0.0019%); highest among the groups gnomAD compares: East Asian, 0.025%; no homozygotes.

Submissions (4):

PreventionGenetics, part of Exact Sciences
Classification: Likely benign for HGSNAT-related condition. Last evaluated: 2026-04-12. Review status: criteria provided, single submitter. Criteria: ACMG Guidelines, 2015. Collection method: clinical testing. Allele origin: germline.
Comment: This variant is classified as likely benign based on ACMG/AMP sequence variant interpretation guidelines (Richards et al. 2015 PMID: 25741868, with internal and published modifications).

Labcorp Genetics (formerly Invitae), Labcorp
Classification: Likely benign for Retinitis pigmentosa 73; Mucopolysaccharidosis, MPS-III-C. Last evaluated: 2026-01-28. Review status: criteria provided, single submitter. Criteria: Invitae Variant Classification Sherloc (09022015). Collection method: clinical testing. Allele origin: germline.

Blueprint Genetics
Classification: Likely benign. Last evaluated: 2024-07-29. Review status: criteria provided, single submitter. Criteria: ACMG Guidelines, 2015. Collection method: clinical testing. Allele origin: germline.

CeGaT Center for Human Genetics Tuebingen
Classification: Likely benign. Last evaluated: 2023-04-01. Review status: criteria provided, single submitter. Criteria: CeGaT Center For Human Genetics Tuebingen Variant Classification Criteria Version 2. Collection method: clinical testing. Allele origin: germline. Affected: yes. Observed: 1 variant allele.
Comment: HGSNAT: BP4, BP7

NM_152419.3(HGSNAT):c.1842C>T (p.Val614=)

Gene: HGSNAT (heparan-alpha-glucosaminide N-acetyltransferase; plus strand). Cytogenetic location: 8p11.21.
Variant type: single nucleotide variant.
Coding change: c.1842C>T on transcript NM_152419.3 (MANE Select); coding-DNA position 1842, C replaced by T.
Protein change: p.Val614=; no amino-acid change (valine 614 retained).
Molecular consequence: synonymous variant.
Genome position (GRCh38, 1-based): chr8:43,199,503, C>T. VCF-style: chr8-43199503-C-T. GRCh37 (hg19) VCF-style: chr8-43054646-C-T.
Other names: c.1929C>T, p.Val643= (NM_001363227.2); c.1650C>T, p.Val550= (NM_001363228.2); c.978C>T, p.Val326= (NM_001363229.2); c.1842C>T (NM_152419.2).
Identifiers: ClinVar variation 1139359 (VCV001139359.33), dbSNP rs374563604, ClinGen allele CA4737036.